The following is an entry in ClinVar:

NM_194248.3(OTOF):c.2282G>A (p.Arg761Gln)

Genes: OTOF (otoferlin; minus strand), LOC129933334 (ATAC-STARR-seq lymphoblastoid active region 15473; plus strand). Cytogenetic location: 2p23.3.
Variant type: single nucleotide variant.
Coding change: c.2282G>A on transcript NM_194248.3 (MANE Select); coding-DNA position 2282, G replaced by A.
Protein change: p.Arg761Gln; replaces arginine 761 with glutamine.
Molecular consequence: missense variant.
Genome position (GRCh38, 1-based): chr2:26,477,682, C>T on the plus strand (G>A on the coding strand, the complement: OTOF is on the minus strand). VCF-style: chr2-26477682-C-T. GRCh37 (hg19) VCF-style: chr2-26700550-C-T.
Other names: c.212G>A, p.Arg71Gln (NM_194322.3); c.41G>A, p.Arg14Gln (NM_194323.3, NM_004802.4); c.2282G>A, p.Arg761Gln (NM_001287489.2); c.2282G>A (NM_194248.2); short protein forms R761Q, R14Q, R71Q.
Identifiers: ClinVar variation 1445955 (VCV001445955.11), dbSNP rs141544736, ClinGen allele CA1563982.

ClinVar aggregate classification (germline): Conflicting classifications of pathogenicity. Review status: criteria provided, conflicting classifications (1 of 4 stars). 4 submissions from 4 submitters: Uncertain significance (3); Likely benign (1). Last evaluated 2026-05-05.

Conditions:
OTOF-related disorder. Also called: OTOF-related condition.
Inborn genetic diseases. Identifiers: MedGen C0950123, MeSH D030342.

Allele frequency attached by ClinVar (database versions not stated): gnomAD 0.00001 and 0.00002; TOPMed 0.00001; ESP Exome Variant Server 0.00008; gnomAD exomes 0.00008 and 0.00010; ExAC 0.00011.
gnomAD v4.1: 110 of 1,612,454 alleles (0.0068%); highest among the groups gnomAD compares: Admixed American, 0.018%; no homozygotes.

Submissions (4):

PreventionGenetics, part of Exact Sciences
Classification: Uncertain significance for OTOF-related condition. Last evaluated: 2026-05-05. Review status: criteria provided, single submitter. Criteria: ACMG Guidelines, 2015. Collection method: clinical testing. Allele origin: germline.
Comment: The OTOF c.2282G>A variant is predicted to result in the amino acid substitution p.Arg761Gln. To our knowledge, this variant has not been reported in the literature. This variant is reported in 0.031% of alleles in individuals of Latino descent in gnomAD. At this time, the clinical significance of this variant is uncertain due to the absence of conclusive functional and genetic evidence.

Labcorp Genetics (formerly Invitae), Labcorp
Classification: Likely benign. Last evaluated: 2025-03-10. Review status: criteria provided, single submitter. Criteria: Invitae Variant Classification Sherloc (09022015). Collection method: clinical testing. Allele origin: germline.

Ambry Genetics
Classification: Uncertain significance for Inborn genetic diseases. Last evaluated: 2023-10-13. Review status: criteria provided, single submitter. Criteria: Ambry Variant Classification Scheme 2023. Collection method: clinical testing. Allele origin: germline.

GeneDx
Classification: Uncertain significance. Last evaluated: 2023-04-06. Review status: criteria provided, single submitter. Criteria: GeneDx Variant Classification Process June 2021. Collection method: clinical testing. Allele origin: germline. Affected: yes.
Comment: In silico analysis supports that this missense variant has a deleterious effect on protein structure/function; Has not been previously published as pathogenic or benign to our knowledge